The following is an entry in ClinVar:

ClinVar aggregate classification (germline): Uncertain significance (1 of 4 stars; one submission).

Conditions:
Cardiovascular phenotype. Identifiers: MedGen CN230736.

gnomAD v4.1: 2 of 1,549,882 alleles (0.00013%); no homozygotes.

Submission:

Ambry Genetics
Classification: Uncertain significance for Cardiovascular phenotype. Last evaluated: 2025-06-28. Review status: criteria provided, single submitter. Criteria: Ambry Variant Classification Scheme 2023. Collection method: clinical testing. Allele origin: germline.
Comment: The p.E855K variant (also known as c.2563G>A), located in coding exon 10 of the RBM20 gene, results from a G to A substitution at nucleotide position 2563. The glutamic acid at codon 855 is replaced by lysine, an amino acid with similar properties. This amino acid position is conserved. In addition, this alteration is predicted to be tolerated by in silico analysis. Based on the available evidence, the clinical significance of this variant remains unclear.

NM_001134363.3(RBM20):c.2563G>A (p.Glu855Lys)

Gene: RBM20 (RNA binding motif protein 20; plus strand). Cytogenetic location: 10q25.2.
Variant type: single nucleotide variant.
Coding change: c.2563G>A on transcript NM_001134363.3 (MANE Select); coding-DNA position 2563, G replaced by A.
Protein change: p.Glu855Lys; replaces glutamic acid 855 with lysine.
Molecular consequence: missense variant.
Genome position (GRCh38, 1-based): chr10:110,820,084, G>A. VCF-style: chr10-110820084-G-A. GRCh37 (hg19) VCF-style: chr10-112579842-G-A.
Other names: short protein forms E855K.
Identifiers: ClinVar variation 3943643 (VCV003943643.2).